The following is an entry in ClinVar:

NM_001164508.2(NEB):c.65A>G (p.Glu22Gly)

Gene: NEB (nebulin; minus strand). Cytogenetic location: 2q23.3.
Variant type: single nucleotide variant.
Coding change: c.65A>G on transcript NM_001164508.2 (MANE Select); coding-DNA position 65, A replaced by G.
Protein change: p.Glu22Gly; replaces glutamic acid 22 with glycine.
Molecular consequence: missense variant.
Genome position (GRCh38, 1-based): chr2:151,729,628, T>C on the plus strand (A>G on the coding strand, the complement: NEB is on the minus strand). VCF-style: chr2-151729628-T-C. GRCh37 (hg19) VCF-style: chr2-152586142-T-C.
Other names: c.65A>G, p.Glu22Gly (NM_001164507.2, NM_001271208.2, NM_004543.5); short protein forms E22G.
Identifiers: ClinVar variation 1353377 (VCV001353377.5), dbSNP rs1335474782, ClinGen allele CA348796870.

ClinVar aggregate classification (germline): Uncertain significance (1 of 4 stars; one submission).

Conditions:
Nemaline myopathy 2 (NEM2). Also called: Nemaline myopathy 2, autosomal recessive. Identifiers: MedGen C1850569, MONDO:0009725, OMIM 256030.

Allele frequency attached by ClinVar (database versions not stated): gnomAD exomes below 0.00001; TOPMed 0.00001; gnomAD 0.00003.
gnomAD v4.1: 9 of 1,613,290 alleles (0.00056%); highest among the groups gnomAD compares: Non-Finnish European, 0.00076%; no homozygotes.

Submission:

Labcorp Genetics (formerly Invitae), Labcorp
Classification: Uncertain significance for Nemaline myopathy 2. Last evaluated: 2022-04-21. Review status: criteria provided, single submitter. Criteria: Invitae Variant Classification Sherloc (09022015). Collection method: clinical testing. Allele origin: germline.
Comment: This sequence change replaces glutamic acid, which is acidic and polar, with glycine, which is neutral and non-polar, at codon 22 of the NEB protein (p.Glu22Gly). This variant is present in population databases (no rsID available, gnomAD 0.0009%). This variant has not been reported in the literature in individuals affected with NEB-related conditions. Algorithms developed to predict the effect of missense changes on protein structure and function output the following: SIFT: "Deleterious"; PolyPhen-2: "Not Available"; Align-GVGD: "Class C0". The glycine amino acid residue is found in multiple mammalian species, which suggests that this missense change does not adversely affect protein function. Algorithms developed to predict the effect of sequence changes on RNA splicing suggest that this variant may disrupt the consensus splice site. In summary, the available evidence is currently insufficient to determine the role of this variant in disease. Therefore, it has been classified as a Variant of Uncertain Significance.